The following is an entry in ClinVar:

ClinVar aggregate classification (germline): Uncertain significance. Review status: criteria provided, multiple submitters, no conflicts (2 of 4 stars). 2 submissions from 2 submitters: Uncertain significance (2). Last evaluated 2025-07-12.

Conditions:
Inborn genetic diseases. Identifiers: MedGen C0950123, MeSH D030342.
Fibrous dysplasia of jaw (CRBM). Also called: Cherubism. Identifiers: Orphanet 184, MedGen C0008029, MONDO:0007315, OMIM 118400.

gnomAD v4.1: 1 of 1,614,126 alleles (0.000062%); highest among the groups gnomAD compares: African/African-American, 0.0013%; no homozygotes.

Submissions (2):

Ambry Genetics
Classification: Uncertain significance for Inborn genetic diseases. Last evaluated: 2025-07-12. Review status: criteria provided, single submitter. Criteria: Ambry Variant Classification Scheme 2023. Collection method: clinical testing. Allele origin: germline.

Labcorp Genetics (formerly Invitae), Labcorp
Classification: Uncertain significance for Fibrous dysplasia of jaw. Last evaluated: 2025-05-03. Review status: criteria provided, single submitter. Criteria: Invitae Variant Classification Sherloc (09022015). Collection method: clinical testing. Allele origin: germline.
Comment: This sequence change replaces serine, which is neutral and polar, with proline, which is neutral and non-polar, at codon 147 of the SH3BP2 protein (p.Ser147Pro). This variant is present in population databases (rs767159592, gnomAD 0.007%). This variant has not been reported in the literature in individuals affected with SH3BP2-related conditions. Invitae Evidence Modeling of protein sequence and biophysical properties (such as structural, functional, and spatial information, amino acid conservation, physicochemical variation, residue mobility, and thermodynamic stability) indicates that this missense variant is not expected to disrupt SH3BP2 protein function with a negative predictive value of 80%. In summary, the available evidence is currently insufficient to determine the role of this variant in disease. Therefore, it has been classified as a Variant of Uncertain Significance.

NM_001122681.2(SH3BP2):c.439T>C (p.Ser147Pro)

Gene: SH3BP2 (SH3 domain binding protein 2; plus strand). Cytogenetic location: 4p16.3.
Variant type: single nucleotide variant.
Coding change: c.439T>C on transcript NM_001122681.2 (MANE Select); coding-DNA position 439, T replaced by C.
Protein change: p.Ser147Pro; replaces serine 147 with proline.
Molecular consequence: missense variant.
Genome position (GRCh38, 1-based): chr4:2,827,240, T>C. VCF-style: chr4-2827240-T-C. GRCh37 (hg19) VCF-style: chr4-2828967-T-C.
Other names: c.523T>C, p.Ser175Pro (NM_001145855.2); c.610T>C, p.Ser204Pro (NM_001145856.2); c.439T>C, p.Ser147Pro (NM_003023.4); short protein forms S147P, S175P, S204P.
Identifiers: ClinVar variation 4164137 (VCV004164137.2).
Genomic context (GRCh38, chr4:2,827,240, plus strand): 5'-CCTCCCAGGCCTGGTGCTCACCGTCCGCCCCAACGCACCCTGCATTGCAGCGACTCCAGC[T>C]CGGACACAGACAGCTTCTACGGCGCAGTTGAGCGGCCTGTGGATATCAGCCTTTCCCCGT-3'
Protein context (NP_001116153.1, residues 137-157): DLPLDTSDSS[Ser147Pro]DTDSFYGAVE